The following is an entry in ClinVar:

NM_003185.4(TAF4):c.2363T>C (p.Leu788Pro)

Gene: TAF4 (TATA-box binding protein associated factor 4; minus strand). Cytogenetic location: 20q13.33.
Variant type: single nucleotide variant.
Coding change: c.2363T>C on transcript NM_003185.4 (MANE Select); coding-DNA position 2363, T replaced by C.
Protein change: p.Leu788Pro; replaces leucine 788 with proline.
Molecular consequence: missense variant.
Genome position (GRCh38, 1-based): chr20:62,003,739, A>G on the plus strand (T>C on the coding strand, the complement: TAF4 is on the minus strand). VCF-style: chr20-62003739-A-G. GRCh37 (hg19) VCF-style: chr20-60578795-A-G.
Other names: short protein forms L788P.
Identifiers: ClinVar variation 3339985 (VCV003339985.1).

ClinVar aggregate classification (germline): Uncertain significance (1 of 4 stars; one submission).

Submission:

Women's Health and Genetics/Laboratory Corporation of America, LabCorp
Classification: Uncertain significance. Last evaluated: 2024-06-27. Review status: criteria provided, single submitter. Criteria: LabCorp Variant Classification Summary - May 2015. Collection method: clinical testing. Allele origin: germline.
Comment: Variant summary: TAF4 c.2363T>C (p.Leu788Pro) results in a non-conservative amino acid change in the encoded protein sequence. Four of five in-silico tools predict a damaging effect of the variant on protein function. The variant allele was found at a frequency of 1.8e-05 in 224588 control chromosomes. The available data on variant occurrences in the general population are insufficient to allow any conclusion about variant significance. To our knowledge, no occurrence of c.2363T>C in individuals affected with Intellectual Developmental Disorder, Autosomal Dominant 73 and no experimental evidence demonstrating its impact on protein function have been reported. No submitters have cited clinical-significance assessments for this variant to ClinVar. Based on the evidence outlined above, the variant was classified as uncertain significance.